The following is an entry in ClinVar:

ClinVar aggregate classification (germline): Uncertain significance (1 of 4 stars; one submission).

Conditions:
Long QT syndrome (LQTS). Identifiers: MedGen C0023976, MeSH D008133, MONDO:0002442. Disease mechanism: loss of function. Inheritance: Various modes of inheritance.

Allele frequency attached by ClinVar (database versions not stated): gnomAD exomes below 0.00001.
gnomAD v4.1: 1 of 1,613,768 alleles (0.000062%); highest among the groups gnomAD compares: Non-Finnish European, 0.000085%; no homozygotes.

Submission:

Labcorp Genetics (formerly Invitae), Labcorp
Classification: Uncertain significance for Long QT syndrome. Last evaluated: 2022-08-12. Review status: criteria provided, single submitter. Criteria: Invitae Variant Classification Sherloc (09022015). Collection method: clinical testing. Allele origin: germline.
Comment: In summary, the available evidence is currently insufficient to determine the role of this variant in disease. Therefore, it has been classified as a Variant of Uncertain Significance. Algorithms developed to predict the effect of missense changes on protein structure and function (SIFT, PolyPhen-2, Align-GVGD) all suggest that this variant is likely to be tolerated. This variant has not been reported in the literature in individuals affected with CACNA1C-related conditions. This variant is not present in population databases (gnomAD no frequency). This sequence change replaces glutamic acid, which is acidic and polar, with lysine, which is basic and polar, at codon 1874 of the CACNA1C protein (p.Glu1874Lys).

NM_000719.7(CACNA1C):c.5620G>A (p.Glu1874Lys)

Genes: CACNA1C (calcium voltage-gated channel subunit alpha1 C; plus strand), CACNA1C-AS1 (CACNA1C antisense RNA 1; minus strand). Cytogenetic location: 12p13.33.
Variant type: single nucleotide variant.
Coding change: c.5620G>A on transcript NM_000719.7 (MANE Select); coding-DNA position 5620, G replaced by A.
Protein change: p.Glu1874Lys; replaces glutamic acid 1874 with lysine.
Molecular consequence: missense variant.
Genome position (GRCh38, 1-based): chr12:2,685,782, G>A. VCF-style: chr12-2685782-G-A. GRCh37 (hg19) VCF-style: chr12-2794948-G-A.
Other names: c.5764G>A, p.Glu1922Lys (NM_001129827.2); c.5743G>A, p.Glu1915Lys (NM_001129829.2); c.5725G>A, p.Glu1909Lys (NM_001129830.3, NM_001167624.3); c.5704G>A, p.Glu1902Lys (NM_001129831.2); c.5680G>A, p.Glu1894Lys (NM_001129832.2); c.5677G>A, p.Glu1893Lys (NM_001129833.2, NM_001129834.2, NM_001129835.2); c.5671G>A, p.Glu1891Lys (NM_001129836.2); c.5644G>A, p.Glu1882Lys (NM_001129837.2, NM_001129838.2); and 6 more; short protein forms E1863K, E1891K, E1902K, E1871K, E1874K, E1880K, E1922K, E1957K.
Identifiers: ClinVar variation 1935632 (VCV001935632.5), dbSNP rs1556283824, ClinGen allele CA383382015.
Genomic context (GRCh38, chr12:2,685,782, plus strand): 5'-GCTCTCTGTTCCAGGCTCTCCTACCAGGATGACGAAAATCGGCAACTGACGCTCCCAGAG[G>A]AGGACAAGAGGGACATCCGGCAATCTCCGAAGAGGGGTTTCCTCCGCTCTGCCTCACTAG-3'
Protein context (NP_000710.5, residues 1864-1884): DENRQLTLPE[Glu1874Lys]DKRDIRQSPK